The following is an entry in ClinVar:

ClinVar aggregate classification (germline): Uncertain significance. Review status: criteria provided, multiple submitters, no conflicts (2 of 4 stars). 3 submissions from 3 submitters: Uncertain significance (3). Last evaluated 2025-11-08.

Conditions:
Hereditary coproporphyria (HCP). Also called: Hereditary coproporphyria porphyria; Porphyria hepatica coproporphyria; Porphyria hepatica II; CPRO deficiency; COPROPORPHYRINOGEN OXIDASE DEFICIENCY; CPO DEFICIENCY. Identifiers: Orphanet 79273, MedGen C0162531, MONDO:0007369, OMIM 121300.
Inborn genetic diseases. Identifiers: MedGen C0950123, MeSH D030342.

Allele frequency attached by ClinVar (database versions not stated): gnomAD 0.00002; TOPMed 0.00003.
gnomAD v4.1: 56 of 1,351,966 alleles (0.0041%); highest among the groups gnomAD compares: Non-Finnish European, 0.0051%; no homozygotes.

Submissions (3):

Ambry Genetics
Classification: Uncertain significance for Inborn genetic diseases. Last evaluated: 2025-11-08. Review status: criteria provided, single submitter. Criteria: Ambry Variant Classification Scheme 2023. Collection method: clinical testing. Allele origin: germline.
Comment: The c.167C>T (p.T56M) alteration is located in exon 1 (coding exon 1) of the CPOX gene. This alteration results from a C to T substitution at nucleotide position 167, causing the threonine (T) at amino acid position 56 to be replaced by a methionine (M). Based on data from gnomAD, the T allele has an overall frequency of <0.001% (0/2848) total alleles studied. The highest observed frequency was <0.001% (/) of alleles. Based on insufficient or conflicting evidence, the clinical significance of this alteration remains unclear.

Labcorp Genetics (formerly Invitae), Labcorp
Classification: Uncertain significance. Last evaluated: 2021-08-28. Review status: criteria provided, single submitter. Criteria: Invitae Variant Classification Sherloc (09022015). Collection method: clinical testing. Allele origin: germline.
Comment: This sequence change replaces threonine with methionine at codon 56 of the CPOX protein (p.Thr56Met). The threonine residue is weakly conserved and there is a moderate physicochemical difference between threonine and methionine. The frequency data for this variant in the population databases is considered unreliable, as metrics indicate insufficient coverage at this position in the ExAC database. This variant has not been reported in the literature in individuals affected with CPOX-related conditions. ClinVar contains an entry for this variant (Variation ID: 346990). Algorithms developed to predict the effect of missense changes on protein structure and function (SIFT, PolyPhen-2, Align-GVGD) all suggest that this variant is likely to be tolerated. In summary, the available evidence is currently insufficient to determine the role of this variant in disease. Therefore, it has been classified as a Variant of Uncertain Significance.

Illumina Laboratory Services, Illumina
Classification: Uncertain significance for Hereditary coproporphyria. Last evaluated: 2018-01-13. Review status: criteria provided, single submitter. Criteria: ICSL Variant Classification Criteria 13 December 2019. Collection method: clinical testing. Allele origin: germline.

NM_000097.7(CPOX):c.167C>T (p.Thr56Met)

Genes: CPOX (coproporphyrinogen oxidase; minus strand), LOC129937121 (ATAC-STARR-seq lymphoblastoid silent region 14560; plus strand). Cytogenetic location: 3q11.2.
Variant type: single nucleotide variant.
Coding change: c.167C>T on transcript NM_000097.7 (MANE Select); coding-DNA position 167, C replaced by T.
Protein change: p.Thr56Met; replaces threonine 56 with methionine.
Molecular consequence: missense variant.
Genome position (GRCh38, 1-based): chr3:98,593,338, G>A on the plus strand (C>T on the coding strand, the complement: CPOX is on the minus strand). VCF-style: chr3-98593338-G-A. GRCh37 (hg19) VCF-style: chr3-98312182-G-A.
Other names: c.167C>T, p.Thr56Met (LRG_1077t1); short protein forms T56M.
Identifiers: ClinVar variation 346990 (VCV000346990.10), dbSNP rs886058948, ClinGen allele CA10616816.
Genomic context (GRCh38, chr3:98,593,338, plus strand): 5'-GTCCCCACCCAGGGGCCGCCTCTCGACGTCGAGCCGTGCCCCAGCCCGCGGCTCTGCTCC[G>A]TGCCAGCCGGGCCAGGGGGCCGGCAGACGCGTCCGGCTGCGCTGCGCTGGGACCAGGCTC-3'
Protein context (NP_000088.3, residues 46-66): RVCRPPGPAG[Thr56Met]EQSRGLGHGS